The following is an entry in ClinVar:

ClinVar aggregate classification (germline): Conflicting classifications of pathogenicity. Review status: criteria provided, conflicting classifications (1 of 4 stars). 7 submissions from 7 submitters: Uncertain significance (1); Benign (2); Likely benign (3). 1 of the submissions does not count toward it. Last evaluated 2026-06-08.

Conditions:
Auditory neuropathy spectrum disorder. Identifiers: MedGen C2732267.

Allele frequency attached by ClinVar (database versions not stated): gnomAD 0.00032 and 0.00048; TOPMed 0.00048; 1000 Genomes Project 30x 0.00281; 1000 Genomes Project 0.00300.
gnomAD v4.1: 631 of 1,613,956 alleles (0.039%); highest among the groups gnomAD compares: East Asian, 1.3%; 4 homozygotes.

Submissions (7):

Women's Health and Genetics/Laboratory Corporation of America, LabCorp
Classification: Likely benign. Last evaluated: 2026-06-08. Review status: criteria provided, single submitter. Criteria: LabCorp Variant Classification Summary - May 2015. Collection method: clinical testing. Allele origin: germline.
Comment: Variant summary: OTOF c.157G>A (p.Ala53Thr) results in a non-conservative amino acid change in the encoded protein sequence. Algorithms developed to predict the effect of missense changes on protein structure and function are either unavailable or do not agree on the potential impact of this missense change. The variant allele was found at a frequency of 0.0011 in 251400 control chromosomes, predominantly at a frequency of 0.015 within the East Asian subpopulation in the gnomAD database. The observed variant frequency within East Asian control individuals in the gnomAD database exceeds the estimated maximal expected allele frequency for disease-causing variants in OTOF. c.157G>A has been observed in individuals affected with hearing-related conditions, but was also seen in unaffected controls (e.g., Bae_2013, Miyagawa_2013, Gao_2021, Ma_2023). These reports do not provide unequivocal conclusions about association of the variant with disease. To our knowledge, no experimental evidence demonstrating an impact on protein function has been reported. The following publications have been ascertained in the context of this evaluation (PMID: 23562982, 34403091, 36597107, 23967202). ClinVar contains an entry for this variant (Variation ID: 48174). Based on the evidence outlined above, the variant was classified as likely benign.

CeGaT Center for Human Genetics Tuebingen
Classification: Likely benign. Last evaluated: 2026-05-01. Review status: criteria provided, single submitter. Criteria: CeGaT Center For Human Genetics Tuebingen Variant Classification Criteria Version 2. Collection method: clinical testing. Allele origin: germline. Affected: yes. Observed: 1 variant allele.
Comment: OTOF: BS1

Labcorp Genetics (formerly Invitae), Labcorp
Classification: Benign. Last evaluated: 2026-01-24. Review status: criteria provided, single submitter. Criteria: Invitae Variant Classification Sherloc (09022015). Collection method: clinical testing. Allele origin: germline.

Blueprint Genetics
Classification: Uncertain significance. Last evaluated: 2024-10-08. Review status: criteria provided, single submitter. Criteria: ACMG Guidelines, 2015. Collection method: clinical testing. Allele origin: germline.

GeneDx
Classification: Likely benign. Last evaluated: 2020-12-01. Review status: criteria provided, single submitter. Criteria: GeneDx Variant Classification Process June 2021. Collection method: clinical testing. Allele origin: germline. Affected: yes.
Comment: This variant is associated with the following publications: (PMID: 20504331, 23967202, 30245029, 24053799)

Laboratory for Molecular Medicine, Mass General Brigham Personalized Medicine
Classification: Benign. Last evaluated: 2017-07-05. Review status: criteria provided, single submitter. Criteria: LMM Criteria. Collection method: clinical testing. Allele origin: germline. Observed: 6 variant alleles.
Comment: p.Ala53Thr in exon 3 of OTOF: This variant is not expected to have clinical sign ificance because it has been identified in 1.5% (290/18866) of East Asian chromo somes by the Genome Aggregation Database (gnomAD, rg; dbSNP rs144915302).

Department of Otolaryngology, Head and Neck Surgery, Beijing Friendship Hospital, Capital Medical University
Classification: Pathogenic for Auditory neuropathy spectrum disorder. Last evaluated: 2020-06-11. Review status: flagged submission. Collection method: clinical testing. Allele origin: inherited. Inheritance: Autosomal recessive inheritance. Affected: yes. Not counted in ClinVar's aggregate classification.
ClinVar note: Reason: Outlier claim with insufficient supporting evidence

Literature cited by the submitters: PubMed 23967202 (cited by Women's Health and Genetics/Laboratory Corporation of America, LabCorp); PubMed 34403091 (cited by Women's Health and Genetics/Laboratory Corporation of America, LabCorp); PubMed 36597107 (cited by Women's Health and Genetics/Laboratory Corporation of America, LabCorp); PubMed 23562982 (cited by Women's Health and Genetics/Laboratory Corporation of America, LabCorp); PubMed 20504331 (cited by Laboratory for Molecular Medicine, Mass General Brigham Personalized Medicine); PubMed 24053799 (cited by Laboratory for Molecular Medicine, Mass General Brigham Personalized Medicine).

NM_194248.3(OTOF):c.157G>A (p.Ala53Thr)

Gene: OTOF (otoferlin; minus strand). Cytogenetic location: 2p23.3.
Variant type: single nucleotide variant.
Coding change: c.157G>A on transcript NM_194248.3 (MANE Select); coding-DNA position 157, G replaced by A.
Protein change: p.Ala53Thr; replaces alanine 53 with threonine.
Molecular consequence: missense variant.
Genome position (GRCh38, 1-based): chr2:26,527,902, C>T on the plus strand (G>A on the coding strand, the complement: OTOF is on the minus strand). VCF-style: chr2-26527902-C-T. GRCh37 (hg19) VCF-style: chr2-26750770-C-T.
Other names: c.157G>A, p.Ala53Thr (NM_001287489.2); short protein forms A53T.
Identifiers: ClinVar variation 48174 (VCV000048174.25), dbSNP rs144915302, ClinGen allele CA142750.